The following is an entry in ClinVar:

ClinVar aggregate classification (germline): Uncertain significance. Review status: criteria provided, multiple submitters, no conflicts (2 of 4 stars). 2 submissions from 2 submitters: Uncertain significance (2). Last evaluated 2026-09-04.

Conditions:
Hereditary cancer-predisposing syndrome. Also called: Tumor predisposition; Hereditary Cancer Syndrome; Hereditary neoplastic syndrome; Neoplastic Syndromes, Hereditary. Identifiers: Orphanet 140162, MedGen C0027672, MeSH D009386, MONDO:0015356.

Submissions (2):

Ambry Genetics
Classification: Uncertain significance for Hereditary cancer-predisposing syndrome. Last evaluated: 2026-09-04. Review status: criteria provided, single submitter. Criteria: Ambry Variant Classification Scheme 2023. Collection method: clinical testing. Allele origin: germline.
Comment: The p.K136T variant (also known as c.407A>C), located in coding exon 5 of the POLE gene, results from an A to C substitution at nucleotide position 407. The lysine at codon 136 is replaced by threonine, an amino acid with similar properties. This amino acid position is highly conserved in available vertebrate species. In addition, the in silico prediction for this alteration is inconclusive. Based on the available evidence, the clinical significance of this variant remains unclear.

Labcorp Genetics (formerly Invitae), Labcorp
Classification: Uncertain significance. Last evaluated: 2024-05-13. Review status: criteria provided, single submitter. Criteria: Invitae Variant Classification Sherloc (09022015). Collection method: clinical testing. Allele origin: germline.
Comment: This sequence change replaces lysine, which is basic and polar, with threonine, which is neutral and polar, at codon 136 of the POLE protein (p.Lys136Thr). This variant is not present in population databases (gnomAD no frequency). This variant has not been reported in the literature in individuals affected with POLE-related conditions. ClinVar contains an entry for this variant (Variation ID: 1010373). Advanced modeling of protein sequence and biophysical properties (such as structural, functional, and spatial information, amino acid conservation, physicochemical variation, residue mobility, and thermodynamic stability) performed at Invitae indicates that this missense variant is expected to disrupt POLE protein function with a positive predictive value of 80%. In summary, the available evidence is currently insufficient to determine the role of this variant in disease. Therefore, it has been classified as a Variant of Uncertain Significance.

NM_006231.4(POLE):c.407A>C (p.Lys136Thr)

Gene: POLE (DNA polymerase epsilon, catalytic subunit; minus strand). Cytogenetic location: 12q24.33.
Variant type: single nucleotide variant.
Coding change: c.407A>C on transcript NM_006231.4 (MANE Select); coding-DNA position 407, A replaced by C.
Protein change: p.Lys136Thr; replaces lysine 136 with threonine.
Molecular consequence: missense variant.
Genome position (GRCh38, 1-based): chr12:132,679,970, T>G on the plus strand (A>C on the coding strand, the complement: POLE is on the minus strand). VCF-style: chr12-132679970-T-G. GRCh37 (hg19) VCF-style: chr12-133256556-T-G.
Other names: c.407A>C (NM_006231.2); short protein forms K136T.
Identifiers: ClinVar variation 1010373 (VCV001010373.9), dbSNP rs752771738, ClinGen allele CA387368032.